The following is an entry in ClinVar:

ClinVar aggregate classification (germline): Likely benign (1 of 4 stars; one submission).

Allele frequency attached by ClinVar (database versions not stated): 1000 Genomes Project 30x 0.00141; 1000 Genomes Project 0.00160; TOPMed 0.00389; gnomAD 0.00395; ESP Exome Variant Server 0.00485; ExAC 0.00513; gnomAD exomes 0.00578.
gnomAD v4.1: 8,984 of 1,614,100 alleles (0.56%); highest among the groups gnomAD compares: Non-Finnish European, 0.68%; 37 homozygotes.

Submission:

CeGaT Center for Human Genetics Tuebingen
Classification: Likely benign. Last evaluated: 2023-08-01. Review status: criteria provided, single submitter. Criteria: CeGaT Center For Human Genetics Tuebingen Variant Classification Criteria Version 2. Collection method: clinical testing. Allele origin: germline. Affected: yes. Observed: 1 variant allele.
Comment: PRSS23: BP4, BS2

NM_007173.6(PRSS23):c.166G>A (p.Glu56Lys)

Gene: PRSS23 (serine protease 23; plus strand). Cytogenetic location: 11q14.2.
Variant type: single nucleotide variant.
Coding change: c.166G>A on transcript NM_007173.6 (MANE Select); coding-DNA position 166, G replaced by A.
Protein change: p.Glu56Lys; replaces glutamic acid 56 with lysine.
Molecular consequence: missense variant.
Genome position (GRCh38, 1-based): chr11:86,807,809, G>A. VCF-style: chr11-86807809-G-A. GRCh37 (hg19) VCF-style: chr11-86518851-G-A.
Other names: c.166G>A, p.Glu56Lys (NM_001293179.2, NM_001293180.2); short protein forms E56K.
Identifiers: ClinVar variation 2642256 (VCV002642256.24), dbSNP rs143933691, ClinGen allele CA6218063.
Genomic context (GRCh38, chr11:86,807,809, plus strand): 5'-CGCCTCCCTGTCGTCTTGCCCCAGTCTACCCTCAATTTAGCCAAGCCAGACTTTGGAGCC[G>A]AAGCCAAATTAGAAGTATCTTCTTCATGTGGACCCCAGTGTCATAAGGGAACTCCACTGC-3'
Protein context (NP_009104.3, residues 46-66): LNLAKPDFGA[Glu56Lys]AKLEVSSSCG